The following is an entry in ClinVar:

NM_003060.4(SLC22A5):c.824+88C>G

Gene: SLC22A5 (solute carrier family 22 member 5; plus strand). Cytogenetic location: 5q31.1.
Variant type: single nucleotide variant.
Coding change: c.824+88C>G on transcript NM_003060.4 (MANE Select); 88 bases into the intron after coding-DNA position 824, C replaced by G.
Molecular consequence: intron variant.
Genome position (GRCh38, 1-based): chr5:132,385,587, C>G. VCF-style: chr5-132385587-C-G. GRCh37 (hg19) VCF-style: chr5-131721279-C-G.
Other names: c.896+88C>G (NM_001308122.2).
Identifiers: ClinVar variation 674871 (VCV000674871.1), dbSNP rs75999741, ClinGen allele CA127209557.

ClinVar aggregate classification (germline): Benign (1 of 4 stars; one submission).

Allele frequency attached by ClinVar (database versions not stated): gnomAD exomes 0.00806; gnomAD 0.02741 and 0.02893; 1000 Genomes Project 0.02875; 1000 Genomes Project 30x 0.02904; TOPMed 0.02954.
gnomAD v4.1: 11,492 of 1,055,726 alleles (1.1%); highest among the groups gnomAD compares: African/African-American, 7.5%; 224 homozygotes.

Submission:

GeneDx
Classification: Benign. Last evaluated: 2018-06-16. Review status: criteria provided, single submitter. Criteria: GeneDx Variant Classification (06012015). Collection method: clinical testing. Allele origin: germline. Affected: yes.
Comment: This variant is considered likely benign or benign based on one or more of the following criteria: it is a conservative change, it occurs at a poorly conserved position in the protein, it is predicted to be benign by multiple in silico algorithms, and/or has population frequency not consistent with disease.